The following is an entry in ClinVar:

NM_001348716.2(KDM6B):c.4550dup (p.Ser1518fs)

Genes: KDM6B (lysine demethylase 6B; plus strand), LOC121587574 (Sharpr-MPRA regulatory region 3930; plus strand). Cytogenetic location: 17p13.1.
Variant type: Duplication.
Coding change: c.4550dup on transcript NM_001348716.2 (MANE Select); coding-DNA position 4550, one base duplicated (T; older notation c.4550dupT).
Protein change: p.Ser1518fs; shifts the reading frame from serine 1518.
Molecular consequence: frameshift variant.
Genome position (GRCh38, 1-based): chr17:7,852,576, T duplicated. VCF-style (leftmost placement, unchanged base first): chr17-7852575-G-GT. GRCh37 (hg19) VCF-style: chr17-7755893-G-GT.
Other names: c.4550dup, p.Ser1518fs (NM_001080424.2); short protein forms S1518fs.
Identifiers: ClinVar variation 3377255 (VCV003377255.1).

ClinVar aggregate classification (germline): Pathogenic (1 of 4 stars; one submission).

Conditions:
Neurodevelopmental disorder with coarse facies and mild distal skeletal abnormalities. Also called: STOLERMAN NEURODEVELOPMENTAL SYNDROME. Identifiers: MedGen C5193134, MONDO:0032790, OMIM 618505.

Submission:

Victorian Clinical Genetics Services, Murdoch Childrens Research Institute
Classification: Pathogenic for Neurodevelopmental disorder with coarse facies and mild distal skeletal abnormalities. Last evaluated: 2024-10-09. Review status: criteria provided, single submitter. Criteria: ACMG Guidelines, 2015. Collection method: clinical testing. Allele origin: germline. Inheritance: Autosomal dominant inheritance. Affected: yes.
Comment: Based on the classification scheme VCGS_Germline_v1.3.4, this variant is classified as Pathogenic. Following criteria are met: 0102 - Loss of function is a known mechanism of disease in this gene and is associated with Stolerman neurodevelopmental syndrome (MIM#618505). (I) 0107 - This gene is associated with autosomal dominant disease. (I) 0201 - Variant is predicted to cause nonsense-mediated decay (NMD) and loss of protein (premature termination codon is located at least 54 nucleotides upstream of the final exon-exon junction). (SP) 0251 - This variant is heterozygous. (I) 0301 - Variant is absent from gnomAD (both v2 and v3). (SP) 0701 - Other NMD predicted variants comparable to the one identified in this case have very strong previous evidence for pathogenicity. These variants were de novo in individuals affected with neurodevelopmental delay, intellectual disability, dysmorphic features and/or macrocephaly (DECIPHER, PMID: 31124279). (SP) 0807 - This variant has no previous evidence of pathogenicity. (I) 0905 - No published segregation evidence has been identified for this variant. (I) 1007 - No published functional evidence has been identified for this variant. (SP) Legend: (SP) - Supporting pathogenic, (I) - Information, (SB) - Supporting benign

Literature cited by the submitters: PubMed 31124279.